The following is an entry in ClinVar:

ClinVar aggregate classification (germline): Uncertain significance (1 of 4 stars; one submission).

Conditions:
Maple syrup urine disease (MSUD). Identifiers: Orphanet 511, MedGen C0024776, MeSH D008375, MONDO:0009563. Disease mechanism: loss of function.

Allele frequency attached by ClinVar (database versions not stated): gnomAD exomes below 0.00001.
gnomAD v4.1: 1 of 1,614,208 alleles (0.000062%); highest among the groups gnomAD compares: South Asian, 0.0011%; no homozygotes.

Submission:

Labcorp Genetics (formerly Invitae), Labcorp
Classification: Uncertain significance for Maple syrup urine disease. Last evaluated: 2024-04-10. Review status: criteria provided, single submitter. Criteria: Invitae Variant Classification Sherloc (09022015). Collection method: clinical testing. Allele origin: germline.
Comment: This sequence change replaces valine, which is neutral and non-polar, with phenylalanine, which is neutral and non-polar, at codon 10 of the BCKDHA protein (p.Val10Phe). This variant is present in population databases (no rsID available, gnomAD 0.0009%). This variant has not been reported in the literature in individuals affected with BCKDHA-related conditions. ClinVar contains an entry for this variant (Variation ID: 1405332). Algorithms developed to predict the effect of missense changes on protein structure and function output the following: SIFT: "Not Available"; PolyPhen-2: "Benign"; Align-GVGD: "Not Available". The phenylalanine amino acid residue is found in multiple mammalian species, which suggests that this missense change does not adversely affect protein function. In summary, the available evidence is currently insufficient to determine the role of this variant in disease. Therefore, it has been classified as a Variant of Uncertain Significance.

NM_000709.4(BCKDHA):c.28G>T (p.Val10Phe)

Gene: BCKDHA (branched chain keto acid dehydrogenase E1 subunit alpha; plus strand). Cytogenetic location: 19q13.2.
Variant type: single nucleotide variant.
Coding change: c.28G>T on transcript NM_000709.4 (MANE Select); coding-DNA position 28, G replaced by T.
Protein change: p.Val10Phe; replaces valine 10 with phenylalanine.
Molecular consequence: missense variant.
Genome position (GRCh38, 1-based): chr19:41,397,855, G>T. VCF-style: chr19-41397855-G-T. GRCh37 (hg19) VCF-style: chr19-41903760-G-T.
Other names: c.28G>T, p.Val10Phe (NM_001164783.2); short protein forms V10F.
Identifiers: ClinVar variation 1405332 (VCV001405332.7), dbSNP rs1307495247, ClinGen allele CA406023136.